The following is an entry in ClinVar:

NM_015271.5(TRIM2):c.2260G>A (p.Val754Ile)

Gene: TRIM2 (tripartite motif containing 2; plus strand). Cytogenetic location: 4q31.3.
Variant type: single nucleotide variant.
Coding change: c.2260G>A on transcript NM_015271.5 (MANE Select); coding-DNA position 2260, G replaced by A.
Protein change: p.Val754Ile; replaces valine 754 with isoleucine.
Molecular consequence: missense variant.
Genome position (GRCh38, 1-based): chr4:153,334,910, G>A. VCF-style: chr4-153334910-G-A. GRCh37 (hg19) VCF-style: chr4-154256062-G-A.
Other names: c.2179G>A, p.Val727Ile (NM_001130067.2, NM_001375512.1, NM_001375513.1 and 4 more transcripts); c.2245G>A, p.Val749Ile (NM_001351054.2); c.2242G>A, p.Val748Ile (NM_001351055.2); c.2191G>A, p.Val731Ile (NM_001351056.2); c.1804G>A, p.Val602Ile (NM_001351057.2); c.2353G>A, p.Val785Ile (NM_001375488.1); c.2350G>A, p.Val784Ile (NM_001375489.1); c.2203G>A, p.Val735Ile (NM_001375490.1); and 4 more; short protein forms V727I, V731I, V749I, V754I, V641I, V642I, V734I, V735I.
Identifiers: ClinVar variation 3703536 (VCV003703536.2).

ClinVar aggregate classification (germline): Uncertain significance (1 of 4 stars; one submission).

Conditions:
Charcot-Marie-Tooth disease type 2R. Also called: CHARCOT-MARIE-TOOTH DISEASE, AXONAL, AUTOSOMAL RECESSIVE, TYPE 2R; Charcot-Marie-Tooth disease, axonal, type 2R; CHARCOT-MARIE-TOOTH NEUROPATHY, TYPE 2R. Identifiers: Orphanet 397968, MedGen C3809655, MONDO:0014208, OMIM 615490.

gnomAD v4.1: 2 of 1,614,030 alleles (0.00012%); highest among the groups gnomAD compares: Non-Finnish European, 0.00017%; no homozygotes.

Submission:

Labcorp Genetics (formerly Invitae), Labcorp
Classification: Uncertain significance for Charcot-Marie-Tooth disease type 2R. Last evaluated: 2024-08-08. Review status: criteria provided, single submitter. Criteria: Invitae Variant Classification Sherloc (09022015). Collection method: clinical testing. Allele origin: germline.
Comment: This sequence change replaces valine, which is neutral and non-polar, with isoleucine, which is neutral and non-polar, at codon 727 of the TRIM2 protein (p.Val727Ile). This variant is not present in population databases (gnomAD no frequency). This variant has not been reported in the literature in individuals affected with TRIM2-related conditions. An algorithm developed to predict the effect of missense changes on protein structure and function (PolyPhen-2) suggests that this variant is likely to be disruptive. In summary, the available evidence is currently insufficient to determine the role of this variant in disease. Therefore, it has been classified as a Variant of Uncertain Significance.